The following is an entry in ClinVar:

ClinVar aggregate classification (germline): Conflicting classifications of pathogenicity. Review status: criteria provided, conflicting classifications (1 of 4 stars). 3 submissions from 3 submitters: Uncertain significance (2); Likely benign (1). Last evaluated 2025-05-01.

Conditions:
POLD1-related polyposis and colorectal cancer syndrome (CRCS10). Also called: Colorectal cancer 10; Colorectal cancer, susceptibility to, 10; COLORECTAL CANCER, SUSCEPTIBILITY TO, ON CHROMOSOME 19q. Identifiers: Orphanet 220460, MedGen C2675481, MONDO:0012953, OMIM 612591.
Hereditary cancer-predisposing syndrome. Also called: Hereditary Cancer Syndrome; Tumor predisposition; Neoplastic Syndromes, Hereditary; Hereditary neoplastic syndrome. Identifiers: Orphanet 140162, MedGen C0027672, MeSH D009386, MONDO:0015356.

Allele frequency attached by ClinVar (database versions not stated): gnomAD exomes below 0.00001; gnomAD 0.00001; TOPMed 0.00001.
gnomAD v4.1: 4 of 1,524,096 alleles (0.00026%); highest among the groups gnomAD compares: Non-Finnish European, 0.00035%; no homozygotes.

Submissions (3):

CeGaT Center for Human Genetics Tuebingen
Classification: Uncertain significance. Last evaluated: 2025-05-01. Review status: criteria provided, single submitter. Criteria: CeGaT Center For Human Genetics Tuebingen Variant Classification Criteria Version 2. Collection method: clinical testing. Allele origin: germline. Affected: yes. Observed: 1 variant allele.
Comment: POLD1: PM2:Supporting, PP3

Ambry Genetics
Classification: Likely benign for Hereditary cancer-predisposing syndrome. Last evaluated: 2024-12-04. Review status: criteria provided, single submitter. Criteria: Ambry Variant Classification Scheme 2023. Collection method: clinical testing. Allele origin: germline.

Labcorp Genetics (formerly Invitae), Labcorp
Classification: Uncertain significance for POLD1-related polyposis and colorectal cancer syndrome. Last evaluated: 2024-11-27. Review status: criteria provided, single submitter. Criteria: Invitae Variant Classification Sherloc (09022015). Collection method: clinical testing. Allele origin: germline.
Comment: This sequence change replaces lysine, which is basic and polar, with arginine, which is basic and polar, at codon 938 of the POLD1 protein (p.Lys938Arg). This variant is not present in population databases (gnomAD no frequency). This variant has not been reported in the literature in individuals affected with POLD1-related conditions. ClinVar contains an entry for this variant (Variation ID: 537109). Invitae Evidence Modeling of protein sequence and biophysical properties (such as structural, functional, and spatial information, amino acid conservation, physicochemical variation, residue mobility, and thermodynamic stability) indicates that this missense variant is not expected to disrupt POLD1 protein function with a negative predictive value of 80%. Algorithms developed to predict the effect of sequence changes on RNA splicing suggest that this variant may create or strengthen a splice site. In summary, the available evidence is currently insufficient to determine the role of this variant in disease. Therefore, it has been classified as a Variant of Uncertain Significance.

NM_002691.4(POLD1):c.2813A>G (p.Lys938Arg)

Gene: POLD1 (DNA polymerase delta 1, catalytic subunit; plus strand). Cytogenetic location: 19q13.33.
Variant type: single nucleotide variant.
Coding change: c.2813A>G on transcript NM_002691.4 (MANE Select); coding-DNA position 2813, A replaced by G.
Protein change: p.Lys938Arg; replaces lysine 938 with arginine.
Molecular consequence: missense variant.
Genome position (GRCh38, 1-based): chr19:50,415,819, A>G. VCF-style: chr19-50415819-A-G. GRCh37 (hg19) VCF-style: chr19-50919076-A-G.
Other names: c.2891A>G, p.Lys964Arg (LRG_785t2, NM_001308632.1); c.2813A>G, p.Lys938Arg (LRG_785t1, NM_001256849.1); c.2813A>G (NM_002691.2); short protein forms K938R, K964R.
Identifiers: ClinVar variation 537109 (VCV000537109.20), dbSNP rs1356081968, ClinGen allele CA406986113.